The following is an entry in ClinVar:

ClinVar aggregate classification (germline): Uncertain significance (1 of 4 stars; one submission).

Submission:

Labcorp Genetics (formerly Invitae), Labcorp
Classification: Uncertain significance. Last evaluated: 2022-03-08. Review status: criteria provided, single submitter. Criteria: Invitae Variant Classification Sherloc (09022015). Collection method: clinical testing. Allele origin: germline.
Comment: In summary, the available evidence is currently insufficient to determine the role of this variant in disease. Therefore, it has been classified as a Variant of Uncertain Significance. Experimental studies and prediction algorithms are not available or were not evaluated, and the functional significance of this variant is currently unknown. This variant has not been reported in the literature in individuals affected with COL18A1-related conditions. This variant is not present in population databases (gnomAD no frequency). This sequence change replaces phenylalanine, which is neutral and non-polar, with isoleucine, which is neutral and non-polar, at codon 1065 of the COL18A1 protein (p.Phe1065Ile).

NM_001379500.1(COL18A1):c.3202T>A (p.Phe1068Ile)

Genes: COL18A1 (collagen type XVIII alpha 1 chain; plus strand), SLC19A1 (solute carrier family 19 member 1; minus strand). Cytogenetic location: 21q22.3.
Variant type: single nucleotide variant.
Coding change: c.3202T>A on transcript NM_001379500.1 (MANE Select); coding-DNA position 3202, T replaced by A.
Protein change: p.Phe1068Ile; replaces phenylalanine 1068 with isoleucine.
Molecular consequence: missense variant.
Genome position (GRCh38, 1-based): chr21:45,505,952, T>A. VCF-style: chr21-45505952-T-A. GRCh37 (hg19) VCF-style: chr21-46925866-T-A.
Other names: c.3733T>A, p.Phe1245Ile (NM_030582.4); c.4438T>A, p.Phe1480Ile (NM_130444.3); short protein forms F1068I, F1480I, F1245I.
Identifiers: ClinVar variation 2101697 (VCV002101697.4), dbSNP rs2517803291, ClinGen allele CA410500116.